The following is an entry in ClinVar:

ClinVar aggregate classification (germline): Pathogenic (1 of 4 stars; one submission).

Conditions:
Congenital adrenal hyperplasia due to cytochrome P450 oxidoreductase deficiency. Also called: DISORDERED STEROIDOGENESIS DUE TO POR DEFICIENCY. Identifiers: Orphanet 95699, MedGen C1860042, MONDO:0013310, OMIM 613571.

Submission:

Labcorp Genetics (formerly Invitae), Labcorp
Classification: Pathogenic for Congenital adrenal hyperplasia due to cytochrome P450 oxidoreductase deficiency. Last evaluated: 2026-01-12. Review status: criteria provided, single submitter. Criteria: Invitae Variant Classification Sherloc (09022015). Collection method: clinical testing. Allele origin: germline.
Comment: This variant, c.1196_1204del, results in the deletion of 3 amino acid(s) of the POR protein (p.Pro399_Glu401del), but otherwise preserves the integrity of the reading frame. This variant is present in population databases (rs782700768, gnomAD 0.02%). This variant has been observed in individual(s) with cytochrome P450 oxidoreductase deficiency (PMID: 3725309, 21843508, 32725309). In at least one individual the data is consistent with being in trans (on the opposite chromosome) from a pathogenic variant. Algorithms developed to predict the effect of variants on gene product structure and function are not available or were not evaluated for this variant. Experimental studies have shown that this variant affects POR function (PMID: 21843508). For these reasons, this variant has been classified as Pathogenic.

Literature cited by the submitters: PubMed 3725309; PubMed 21843508; PubMed 32725309.

NM_001395413.1(POR):c.1178CCTCGGAGC[1] (p.Pro396_Glu398del)

Gene: POR (cytochrome p450 oxidoreductase; plus strand). Cytogenetic location: 7q11.23.
Variant type: Microsatellite.
Coding change: c.1178CCTCGGAGC[1] on transcript NM_001395413.1 (MANE Select); one copy of the 9-base unit CCTCGGAGC starting at c.1178; the reference has two copies in a row; one copy, 9 bases deleted.
Protein change: p.Pro396_Glu398del.
Molecular consequence: inframe deletion. On other transcripts: inframe indel (2).
Genome position (GRCh38, 1-based): chr7:75,984,906-75,984,914, CCTCGGAGC deleted; deleting any 9 consecutive bases within chr7:75,984,897-75,984,914 gives the same sequence; the position shown is the placement nearest the transcript's 3' end. VCF-style (leftmost placement, unchanged base first): chr7-75984896-GCCTCGGAGC-G. GRCh37 (hg19) VCF-style: chr7-75614214-GCCTCGGAGC-G.
Other names: c.1187_1195CCTCGGAGC[1], p.Pro399_Glu401del (NM_000941.2, NM_000941.3); c.1178CCTCGGAGC[1], p.Pro396_Glu398del (NM_001367562.3, NM_001382657.2, NM_001382658.3 and 2 more transcripts); c.1232CCTCGGAGC[1], p.Pro414_Glu416del (NM_001382655.3).
Identifiers: ClinVar variation 2735034 (VCV002735034.3), dbSNP rs782700768, ClinGen allele CA4304016.